The following is an entry in ClinVar:

ClinVar aggregate classification (germline): Uncertain significance. Review status: criteria provided, multiple submitters, no conflicts (2 of 4 stars). 2 submissions from 2 submitters: Uncertain significance (2). Last evaluated 2026-01-25.

Conditions:
Hypertrophic cardiomyopathy 14. Identifiers: MedGen C2750467, MONDO:0013197, OMIM 613251.

gnomAD v4.1: 17 of 1,613,988 alleles (0.0011%); highest among the groups gnomAD compares: Non-Finnish European, 0.0014%; no homozygotes.

Submissions (2):

Labcorp Genetics (formerly Invitae), Labcorp
Classification: Uncertain significance for Hypertrophic cardiomyopathy 14. Last evaluated: 2026-01-25. Review status: criteria provided, single submitter. Criteria: Invitae Variant Classification Sherloc (09022015). Collection method: clinical testing. Allele origin: germline.
Comment: This sequence change replaces isoleucine, which is neutral and non-polar, with threonine, which is neutral and polar, at codon 1929 of the MYH6 protein (p.Ile1929Thr). This variant is not present in population databases (gnomAD no frequency). This missense change has been observed in individual(s) with clinical features of dilated cardiomyopathy (PMID: 31983221). An algorithm developed to predict the effect of missense changes on protein structure and function (PolyPhen-2) suggests that this variant is likely to be tolerated. In summary, the available evidence is currently insufficient to determine the role of this variant in disease. Therefore, it has been classified as a Variant of Uncertain Significance.

Blueprint Genetics
Classification: Uncertain significance. Last evaluated: 2021-11-25. Review status: criteria provided, single submitter. Criteria: ACMG Guidelines, 2015. Collection method: clinical testing. Allele origin: germline.

Literature cited by the submitters: PubMed 31983221 (cited by Labcorp Genetics (formerly Invitae), Labcorp).

NM_002471.4(MYH6):c.5786T>C (p.Ile1929Thr)

Gene: MYH6 (myosin heavy chain 6; minus strand). Cytogenetic location: 14q11.2.
Variant type: single nucleotide variant.
Coding change: c.5786T>C on transcript NM_002471.4 (MANE Select); coding-DNA position 5786, T replaced by C.
Protein change: p.Ile1929Thr; replaces isoleucine 1929 with threonine.
Molecular consequence: missense variant.
Genome position (GRCh38, 1-based): chr14:23,382,438, A>G on the plus strand (T>C on the coding strand, the complement: MYH6 is on the minus strand). VCF-style: chr14-23382438-A-G. GRCh37 (hg19) VCF-style: chr14-23851647-A-G.
Other names: short protein forms I1929T.
Identifiers: ClinVar variation 4754535 (VCV004754535.2).
Genomic context (GRCh38, chr14:23,382,438, plus strand): 5'-GGGGCATGCTAATGTGGAAGTGACTAGTGAAGCCCAGGGGAGGGACCCACCTTGGCACCA[A>G]TGTCACGGCTCTTGGCTCGAAGCTTGTTGACCTGGGACTCAGCGATGTCCGCCCGCTCCT-3'
Protein context (NP_002462.2, residues 1919-1939): VNKLRAKSRD[Ile1929Thr]GAKQKMHDEE